The following is an entry in ClinVar:

NM_006904.7(PRKDC):c.2359C>T (p.Pro787Ser)

Gene: PRKDC (protein kinase, DNA-activated, catalytic subunit; minus strand). Cytogenetic location: 8q11.21.
Variant type: single nucleotide variant.
Coding change: c.2359C>T on transcript NM_006904.7 (MANE Select); coding-DNA position 2359, C replaced by T.
Protein change: p.Pro787Ser; replaces proline 787 with serine.
Molecular consequence: missense variant.
Genome position (GRCh38, 1-based): chr8:47,927,254, G>A on the plus strand (C>T on the coding strand, the complement: PRKDC is on the minus strand). VCF-style: chr8-47927254-G-A. GRCh37 (hg19) VCF-style: chr8-48839814-G-A.
Other names: c.2359C>T, p.Pro787Ser (NM_001081640.2); short protein forms P787S.
Identifiers: ClinVar variation 1790111 (VCV001790111.2), dbSNP rs1475362075, ClinGen allele CA371161767.

ClinVar aggregate classification (germline): Uncertain significance (1 of 4 stars; one submission).

Allele frequency attached by ClinVar (database versions not stated): gnomAD 0.00001; gnomAD exomes 0.00001; TOPMed 0.00001.
gnomAD v4.1: 4 of 1,613,606 alleles (0.00025%); highest among the groups gnomAD compares: Admixed American, 0.0067%; no homozygotes.

Submission:

Ambry Genetics
Classification: Uncertain significance. Last evaluated: 2022-08-28. Review status: criteria provided, single submitter. Criteria: Ambry Variant Classification Scheme 2023. Collection method: clinical testing. Allele origin: germline.
Comment: The p.P787S variant (also known as c.2359C>T), located in coding exon 21 of the PRKDC gene, results from a C to T substitution at nucleotide position 2359. The proline at codon 787 is replaced by serine, an amino acid with similar properties. This amino acid position is conserved. In addition, the in silico prediction for this alteration is inconclusive. Since supporting evidence is limited at this time, the clinical significance of this alteration remains unclear.